The following is an entry in ClinVar:

NM_201384.3(PLEC):c.6136C>T (p.Arg2046Trp)

Gene: PLEC (plectin; minus strand). Cytogenetic location: 8q24.3.
Variant type: single nucleotide variant.
Coding change: c.6136C>T on transcript NM_201384.3 (MANE Select); coding-DNA position 6136, C replaced by T.
Protein change: p.Arg2046Trp; replaces arginine 2046 with tryptophan.
Molecular consequence: missense variant.
Genome position (GRCh38, 1-based): chr8:143,923,793, G>A on the plus strand (C>T on the coding strand, the complement: PLEC is on the minus strand). VCF-style: chr8-143923793-G-A. GRCh37 (hg19) VCF-style: chr8-144997961-G-A.
Other names: c.6217C>T, p.Arg2073Trp (NM_000445.5); c.6094C>T, p.Arg2032Trp (NM_201378.4); c.6070C>T, p.Arg2024Trp (NM_201379.3); c.6547C>T, p.Arg2183Trp (NM_201380.4); c.6040C>T, p.Arg2014Trp (NM_201381.3); c.6136C>T, p.Arg2046Trp (NM_201382.4); c.6148C>T, p.Arg2050Trp (NM_201383.3); short protein forms R2024W, R2183W, R2050W, R2014W, R2032W, R2046W, R2073W.
Identifiers: ClinVar variation 942057 (VCV000942057.7), dbSNP rs782634097, ClinGen allele CA4926098.
Genomic context (GRCh38, chr8:143,923,793, plus strand): 5'-GTAGCTCCTGCTCCTTCTGCTGCACCGCGAAGGCGTGTGCCTTCTCTTCCGCCTGCAGCC[G>A]CTTCTGGGCGGCCTCCTGGGCCAGCTGCAGCTGCCGCGCCGACTCCTGCTCCGCTCGCTC-3'
Protein context (NP_958786.1, residues 2036-2056): LQLAQEAAQK[Arg2046Trp]LQAEEKAHAF

ClinVar aggregate classification (germline): Uncertain significance (1 of 4 stars; one submission).

Conditions:
Epidermolysis bullosa simplex 5B, with muscular dystrophy (EBS5B). Also called: EPIDERMOLYSIS BULLOSA SIMPLEX AND LIMB-GIRDLE MUSCULAR DYSTROPHY; Epidermolysis bullosa simplex with muscular dystrophy. Identifiers: Orphanet 257, MedGen C2931072, MONDO:0009181, OMIM 226670.
Epidermolysis bullosa simplex with nail dystrophy (EBS5D). Identifiers: MedGen C4225309, MONDO:0014661, OMIM 616487.
Epidermolysis bullosa simplex, Ogna type (EBS5A). Also called: EPIDERMOLYSIS BULLOSA SIMPLEX 5A, OGNA TYPE; Pidermolysis bullosa simplex 5A, Ogna type. Identifiers: Orphanet 79401, MedGen C0432317, MONDO:0007555, OMIM 131950.
Autosomal recessive limb-girdle muscular dystrophy type 2Q (LGMDR17). Also called: MUSCULAR DYSTROPHY, LIMB-GIRDLE, AUTOSOMAL RECESSIVE 17. Identifiers: Orphanet 254361, MedGen C3150989, MONDO:0013390, OMIM 613723.
Epidermolysis bullosa simplex 5C, with pyloric atresia (EBS5C). Also called: Epidermolysis bullosa simplex with pyloric atresia; PLEC-Related Epidermolysis Bullosa with Pyloric Atresia; PLEC1-Related Epidermolysis Bullosa with Pyloric Atresia. Identifiers: Orphanet 158684, MedGen C2677349, MONDO:0012807, OMIM 612138.

Allele frequency attached by ClinVar (database versions not stated): gnomAD exomes below 0.00001; gnomAD 0.00001; TOPMed 0.00001; ExAC 0.00003.
gnomAD v4.1: 6 of 1,577,428 alleles (0.00038%); highest among the groups gnomAD compares: Admixed American, 0.0017%; no homozygotes.

Submission:

Labcorp Genetics (formerly Invitae), Labcorp
Classification: Uncertain significance for Autosomal recessive limb-girdle muscular dystrophy type 2Q; Epidermolysis bullosa simplex, Ogna type; Epidermolysis bullosa simplex with nail dystrophy; Epidermolysis bullosa simplex 5C, with pyloric atresia; Epidermolysis bullosa simplex 5B, with muscular dystrophy. Last evaluated: 2025-07-07. Review status: criteria provided, single submitter. Criteria: Invitae Variant Classification Sherloc (09022015). Collection method: clinical testing. Allele origin: germline.
Comment: This sequence change replaces arginine, which is basic and polar, with tryptophan, which is neutral and slightly polar, at codon 2073 of the PLEC protein (p.Arg2073Trp). The frequency data for this variant in the population databases is considered unreliable, as metrics indicate poor data quality at this position in the gnomAD database. This variant has not been reported in the literature in individuals affected with PLEC-related conditions. ClinVar contains an entry for this variant (Variation ID: 942057). An algorithm developed to predict the effect of missense changes on protein structure and function (PolyPhen-2) suggests that this variant is likely to be tolerated. In summary, the available evidence is currently insufficient to determine the role of this variant in disease. Therefore, it has been classified as a Variant of Uncertain Significance.